The following is an entry in ClinVar:

ClinVar aggregate classification (germline): Uncertain significance (1 of 4 stars; one submission).

gnomAD v4.1: 21 of 1,286,962 alleles (0.0016%); highest among the groups gnomAD compares: Non-Finnish European, 0.002%; no homozygotes.

Submission:

GeneDx
Classification: Uncertain significance. Last evaluated: 2014-04-01. Review status: criteria provided, single submitter. Criteria: GeneDx Variant Classification (06012015). Collection method: clinical testing. Allele origin: germline. Affected: yes.
Comment: p.Ala293Ser (CGC>TCC): c.877 G>T in exon 4 of the KCNH2 (HERG) gene (NM_000238.2). A variant of unknown significance has been identified in the KCNH2 gene. The A293S variant has not been published as a mutation, nor has it been reported as a benign polymorphism to our knowledge. The A293S variant was not observed in approximately 1,800 individuals of European and African American ancestry in the NHLBI Exome Sequencing Project, indicating it is not a common benign variant in these populations. The A293S variant is a non-conservative amino acid substitution which is likely to impact secondary protein structure as these residues differ in polarity, charge, size and/or other properties. Missense mutations in nearby residues (E289K, M291T, G294V, P297S) have been reported in association with LQTS, supporting the functional importance of this region of the protein. However, this substitution occurs at a residue that is not conserved across species. Furthermore, in silico analysis predicts this variant likely does not alter the protein structure/function. Therefore, based on the currently available information, it is unclear whether this variant is a pathogenic mutation or a rare benign variant. The variant is found in ARRHYTHMIA panel(s).

NM_000238.4(KCNH2):c.877G>T (p.Ala293Ser)

Gene: KCNH2 (potassium voltage-gated channel subfamily H member 2; minus strand). Cytogenetic location: 7q36.1.
Variant type: single nucleotide variant.
Coding change: c.877G>T on transcript NM_000238.4 (MANE Select); coding-DNA position 877, G replaced by T.
Protein change: p.Ala293Ser; replaces alanine 293 with serine.
Molecular consequence: missense variant.
Genome position (GRCh38, 1-based): chr7:150,958,098, C>A on the plus strand (G>T on the coding strand, the complement: KCNH2 is on the minus strand). VCF-style: chr7-150958098-C-A. GRCh37 (hg19) VCF-style: chr7-150655186-C-A.
Other names: p.A293S:GCC>TCC; c.589G>T, p.Ala197Ser (NM_001406753.1, NM_001406756.1); c.700G>T, p.Ala234Ser (NM_001406755.1); c.577G>T, p.Ala193Ser (NM_001406757.1); c.877G>T, p.Ala293Ser (NM_172056.3); short protein forms A293S, A193S, A234S, A197S.
Identifiers: ClinVar variation 200308 (VCV000200308.4), dbSNP rs794728362, ClinGen allele CA008934.